The following is an entry in ClinVar:

ClinVar aggregate classification (germline): Uncertain significance (1 of 4 stars; one submission).

Allele frequency attached by ClinVar (database versions not stated): gnomAD 0.00001; gnomAD exomes 0.00001; TOPMed 0.00001; ExAC 0.00002; ESP Exome Variant Server 0.00008.
gnomAD v4.1: 10 of 1,598,610 alleles (0.00063%); highest among the groups gnomAD compares: Non-Finnish European, 0.00077%; no homozygotes.

Submission:

Labcorp Genetics (formerly Invitae), Labcorp
Classification: Uncertain significance. Last evaluated: 2022-02-10. Review status: criteria provided, single submitter. Criteria: Invitae Variant Classification Sherloc (09022015). Collection method: clinical testing. Allele origin: germline.
Comment: This sequence change replaces arginine, which is basic and polar, with tryptophan, which is neutral and slightly polar, at codon 203 of the NDUFS7 protein (p.Arg203Trp). The frequency data for this variant in the population databases is considered unreliable, as metrics indicate poor data quality at this position in the gnomAD database. This variant has not been reported in the literature in individuals affected with NDUFS7-related conditions. Algorithms developed to predict the effect of missense changes on protein structure and function (SIFT, PolyPhen-2, Align-GVGD) all suggest that this variant is likely to be disruptive. Algorithms developed to predict the effect of sequence changes on RNA splicing suggest that this variant may create or strengthen a splice site. In summary, the available evidence is currently insufficient to determine the role of this variant in disease. Therefore, it has been classified as a Variant of Uncertain Significance.

NM_024407.5(NDUFS7):c.607C>T (p.Arg203Trp)

Gene: NDUFS7 (NADH:ubiquinone oxidoreductase core subunit S7; plus strand). Cytogenetic location: 19p13.3.
Variant type: single nucleotide variant.
Coding change: c.607C>T on transcript NM_024407.5 (MANE Select); coding-DNA position 607, C replaced by T.
Protein change: p.Arg203Trp; replaces arginine 203 with tryptophan.
Molecular consequence: missense variant. On other transcripts: 3 prime UTR variant (1).
Genome position (GRCh38, 1-based): chr19:1,395,453, C>T. VCF-style: chr19-1395453-C-T. GRCh37 (hg19) VCF-style: chr19-1395452-C-T.
Other names: c.*1031C>T (NM_001363602.2); short protein forms R203W.
Identifiers: ClinVar variation 1950083 (VCV001950083.2), dbSNP rs375284090, ClinGen allele CA9043480.